The following is an entry in ClinVar:

NM_001375883.1(GPR161):c.-32C>T

Gene: GPR161 (G protein-coupled receptor 161; minus strand). Cytogenetic location: 1q24.2.
Variant type: single nucleotide variant.
Coding change: c.-32C>T on transcript NM_001375883.1 (MANE Select); 32 bases upstream of the start codon, C replaced by T.
Molecular consequence: 5 prime UTR variant. On other transcripts: missense variant (2), intron variant (4).
Genome position (GRCh38, 1-based): chr1:168,104,882, G>A on the plus strand (C>T on the coding strand, the complement: GPR161 is on the minus strand). VCF-style: chr1-168104882-G-A. GRCh37 (hg19) VCF-style: chr1-168074120-G-A.
Other names: c.29C>T, p.Ala10Val (NM_001267609.1); c.-32C>T (NM_001267610.2, NM_001349632.1, NM_001349633.1 and 5 more transcripts); c.20C>T, p.Ala7Val (NM_001267611.1); c.-22-7650C>T (NM_001349635.1, NM_001267612.2); c.33-7650C>T (NM_001267614.1); c.141-7650C>T (NM_001267613.1); short protein forms A7V, A10V.
Identifiers: ClinVar variation 4748847 (VCV004748847.1).

ClinVar aggregate classification (germline): Uncertain significance (1 of 4 stars; one submission).

gnomAD v4.1: 32 of 1,607,390 alleles (0.002%); highest among the groups gnomAD compares: Non-Finnish European, 0.0027%; no homozygotes.

Submission:

Labcorp Genetics (formerly Invitae), Labcorp
Classification: Uncertain significance. Last evaluated: 2025-06-08. Review status: criteria provided, single submitter. Criteria: Invitae Variant Classification Sherloc (09022015). Collection method: clinical testing. Allele origin: germline.
Comment: This sequence change replaces alanine, which is neutral and non-polar, with valine, which is neutral and non-polar, at codon 10 of the GPR161 protein (p.Ala10Val). The frequency data for this variant in the population databases is considered unreliable, as metrics indicate poor data quality at this position in the gnomAD database. This variant has not been reported in the literature in individuals affected with GPR161-related conditions. An algorithm developed to predict the effect of missense changes on protein structure and function outputs the following: PolyPhen-2: "Benign". The valine amino acid residue is found in multiple mammalian species, which suggests that this missense change does not adversely affect protein function. In summary, the available evidence is currently insufficient to determine the role of this variant in disease. Therefore, it has been classified as a Variant of Uncertain Significance.